The following is an entry in ClinVar:

ClinVar aggregate classification (germline): Uncertain significance. Review status: criteria provided, multiple submitters, no conflicts (2 of 4 stars). 2 submissions from 2 submitters: Uncertain significance (2). Last evaluated 2023-10-29.

Conditions:
Familial thoracic aortic aneurysm and aortic dissection (TAAD). Also called: Thoracic aortic aneurysms and dissections. Identifiers: Orphanet 91387, MedGen C4707243, MONDO:0019625.
Loeys-Dietz syndrome (LDS). Identifiers: Orphanet 60030, MedGen C2697932, MONDO:0018954.

Submissions (2):

Labcorp Genetics (formerly Invitae), Labcorp
Classification: Uncertain significance for Familial thoracic aortic aneurysm and aortic dissection. Last evaluated: 2023-10-29. Review status: criteria provided, single submitter. Criteria: Invitae Variant Classification Sherloc (09022015). Collection method: clinical testing. Allele origin: germline.
Comment: This variant, c.1475_1477del, results in the deletion of 1 amino acid(s) of the TGFBR1 protein (p.Leu492del), but otherwise preserves the integrity of the reading frame. This variant is not present in population databases (gnomAD no frequency). This variant has not been reported in the literature in individuals affected with TGFBR1-related conditions. Experimental studies and prediction algorithms are not available or were not evaluated, and the functional significance of this variant is currently unknown. In summary, the available evidence is currently insufficient to determine the role of this variant in disease. Therefore, it has been classified as a Variant of Uncertain Significance.

All of Us Research Program, National Institutes of Health
Classification: Uncertain significance for Loeys-Dietz syndrome. Last evaluated: 2023-03-09. Review status: criteria provided, single submitter. Criteria: ACMG Guidelines, 2015. Collection method: clinical testing. Allele origin: germline. Inheritance: Autosomal dominant inheritance. Observed: 1 variant allele, 1 heterozygote.
Comment: This variant causes an in-frame deletion of one amino acid at exon 9 of the TGFBR1 protein. To our knowledge, functional studies have not been reported for this variant. This variant has not been reported in individuals affected with cardiovascular disorders in the literature. This variant has not been identified in the general population by the Genome Aggregation Database (gnomAD). The available evidence is insufficient to determine the role of this variant in disease conclusively. Therefore, this variant is classified as a Variant of Uncertain Significance.

This study involves interpretation of variants in research participants for the purpose of population health screening. Participant phenotype was not available at the time of variant classification. Additional details can be found in publication PMID: 35346344, PMCID: PMC8962531

NM_004612.4(TGFBR1):c.1475_1477del (p.Leu492del)

Gene: TGFBR1 (transforming growth factor beta receptor 1; plus strand). Cytogenetic location: 9q22.33.
Variant type: Deletion.
Coding change: c.1475_1477del on transcript NM_004612.4 (MANE Select); coding-DNA positions 1475 to 1477, 3 bases deleted (TAT; older notation c.1475_1477delTAT).
Protein change: p.Leu492del; deletes leucine 492.
Molecular consequence: inframe deletion. On other transcripts: non-coding transcript variant (4).
Genome position (GRCh38, 1-based): chr9:99,149,268-99,149,270, TAT deleted; deleting any 3 consecutive bases within chr9:99,149,266-99,149,270 gives the same sequence; the c. name uses the placement nearest the transcript's 3' end. VCF-style (leftmost placement, unchanged base first): chr9-99149265-CATT-C. GRCh37 (hg19) VCF-style: chr9-101911547-CATT-C.
Other names: c.1244_1246del, p.Leu415del (NM_001130916.3, NM_001407435.1); c.1487_1489del, p.Leu496del (NM_001306210.2); c.1319_1321del, p.Leu440del (NM_001407416.1); c.1307_1309del, p.Leu436del (NM_001407417.1); c.1280_1282del, p.Leu427del (NM_001407418.1, NM_001407419.1, NM_001407420.1 and 1 more transcripts); c.1268_1270del, p.Leu423del (NM_001407423.1, NM_001407424.1, NM_001407425.1 and 8 more transcripts); c.1229_1231del, p.Leu410del (NM_001407436.1); c.767_769del, p.Leu256del (NM_001407437.1); and 1 more; short protein forms L256del, L333del, L410del, L427del, L440del, L436del, L415del, L423del.
Identifiers: ClinVar variation 2989487 (VCV002989487.4), dbSNP rs2490272797, ClinGen allele CA2579400731.